The following is an entry in ClinVar:

ClinVar aggregate classification (germline): Uncertain significance (1 of 4 stars; one submission).

Conditions:
Ornithine carbamoyltransferase deficiency (OTCD). Also called: OTC DEFICIENCY; ORNITHINE TRANSCARBAMYLASE DEFICIENCY; Ornithine Carbamoyltransferase Deficiency Disease; ORNITHINE TRANSCARBAMYLASE DEFICIENCY, HYPERAMMONEMIA DUE TO. Identifiers: Orphanet 664, MedGen C0268542, MONDO:0010703, OMIM 311250.

Submission:

Labcorp Genetics (formerly Invitae), Labcorp
Classification: Uncertain significance for Ornithine carbamoyltransferase deficiency. Last evaluated: 2023-09-18. Review status: criteria provided, single submitter. Criteria: Invitae Variant Classification Sherloc (09022015). Collection method: clinical testing. Allele origin: germline.
Comment: Advanced modeling of protein sequence and biophysical properties (such as structural, functional, and spatial information, amino acid conservation, physicochemical variation, residue mobility, and thermodynamic stability) performed at Invitae indicates that this missense variant is expected to disrupt OTC protein function. This sequence change replaces histidine, which is basic and polar, with arginine, which is basic and polar, at codon 214 of the OTC protein (p.His214Arg). This variant is not present in population databases (gnomAD no frequency). This variant has not been reported in the literature in individuals affected with OTC-related conditions. In summary, the available evidence is currently insufficient to determine the role of this variant in disease. Therefore, it has been classified as a Variant of Uncertain Significance.

NM_000531.6(OTC):c.641A>G (p.His214Arg)

Gene: OTC (ornithine transcarbamylase; plus strand). Cytogenetic location: Xp11.4.
Variant type: single nucleotide variant.
Coding change: c.641A>G on transcript NM_000531.6 (MANE Select); coding-DNA position 641, A replaced by G.
Protein change: p.His214Arg; replaces histidine 214 with arginine.
Molecular consequence: missense variant.
Genome position (GRCh38, 1-based): chrX:38,403,718, A>G. VCF-style: chrX-38403718-A-G. GRCh37 (hg19) VCF-style: chrX-38262971-A-G.
Other names: c.641A>G, p.His214Arg (NM_001407092.1); short protein forms H214R.
Identifiers: ClinVar variation 2761120 (VCV002761120.3), dbSNP rs2519975546, ClinGen allele CA412725918.